The following is an entry in ClinVar:

NM_001023570.4(IQCB1):c.1632_1638dup (p.Ala547fs)

Gene: IQCB1 (IQ motif containing B1; minus strand). Cytogenetic location: 3q13.33.
Variant type: Duplication.
Coding change: c.1632_1638dup on transcript NM_001023570.4 (MANE Select); coding-DNA positions 1632 to 1638, 7 bases duplicated (TGTGGCA; older notation c.1632_1638dupTGTGGCA).
Protein change: p.Ala547fs; shifts the reading frame from alanine 547.
Molecular consequence: frameshift variant. On other transcripts: non-coding transcript variant (1).
Genome position (GRCh38, 1-based): chr3:121,770,504-121,770,510, TGCCACA duplicated on the plus strand (TGTGGCA on the coding strand, the reverse complement: IQCB1 is on the minus strand). VCF-style (leftmost placement, unchanged base first): chr3-121770503-C-CTGCCACA. GRCh37 (hg19) VCF-style: chr3-121489350-C-CTGCCACA.
Other names: c.1233_1239dup, p.Ala414fs (NM_001023571.4); c.1632_1638dup, p.Ala547fs (NM_001319107.2); c.1632_1638dup7 (NM_001023570.3); short protein forms A414fs, A547fs.
Identifiers: ClinVar variation 560465 (VCV000560465.11), dbSNP rs767295178, ClinGen allele CA2567040.

ClinVar aggregate classification (germline): Uncertain significance. Review status: criteria provided, multiple submitters, no conflicts (2 of 4 stars). 4 submissions from 4 submitters: Uncertain significance (3). 1 of the submissions does not count toward it. Last evaluated 2026-02-10.

Conditions:
IQCB1-related disorder. Also called: IQCB1-related condition.
Nephronophthisis. Also called: Juvenile Nephronophthisis. Identifiers: Orphanet 655, MedGen C0687120, MONDO:0019005, HP:0000090.
Retinal dystrophy. Also called: Inherited retinal dystrophy. Identifiers: Orphanet 71862, MedGen C0854723, MeSH D058499, MONDO:0019118, HP:0000556.

Allele frequency attached by ClinVar (database versions not stated): gnomAD 0.00001; TOPMed 0.00001; ExAC 0.00002; gnomAD exomes 0.00002 and 0.00004.

Submissions (4):

PreventionGenetics, part of Exact Sciences
Classification: Uncertain significance for IQCB1-related condition. Last evaluated: 2026-02-10. Review status: criteria provided, single submitter. Criteria: ACMG Guidelines, 2015. Collection method: clinical testing. Allele origin: germline.
Comment: The IQCB1 c.1632_1638dup7 variant is predicted to result in a frameshift and premature protein termination (p.Ala547Cysfs*31). This variant was reported in heterozygous state in absence of second IQCB1 variant an individual with Nephronophthisis-related ciliopathy (Table S3, Halbritter et al. 2013. PubMed ID: 23559409). This variant is reported in 0.0046% of alleles in individuals of European (Non-Finnish) descent in gnomAD. Frameshift variants in IQCB1 are expected to be pathogenic, however this variant occurs within the last exon of the gene and is not anticipated to result in nonsense mediated decay, and downstream loss-of-function causative variants have not been reported. Although we suspect that this variant may be pathogenic, at this time, the clinical significance of this variant is uncertain due to the absence of conclusive functional and genetic evidence.

Labcorp Genetics (formerly Invitae), Labcorp
Classification: Uncertain significance for Nephronophthisis. Last evaluated: 2022-08-31. Review status: criteria provided, single submitter. Criteria: Invitae Variant Classification Sherloc (09022015). Collection method: clinical testing. Allele origin: germline.
Comment: This sequence change creates a premature translational stop signal (p.Ala547Cysfs*31) in the IQCB1 gene. While this is not anticipated to result in nonsense mediated decay, it is expected to disrupt the last 52 amino acid(s) of the IQCB1 protein. This variant is present in population databases (rs767295178, gnomAD 0.006%). This premature translational stop signal has been observed in individual(s) with clinical features of nephronophthisis (PMID: 23559409). ClinVar contains an entry for this variant (Variation ID: 560465). Experimental studies and prediction algorithms are not available or were not evaluated, and the functional significance of this variant is currently unknown. In summary, the available evidence is currently insufficient to determine the role of this variant in disease. Therefore, it has been classified as a Variant of Uncertain Significance.

Blueprint Genetics
Classification: Uncertain significance. Last evaluated: 2018-01-03. Review status: criteria provided, single submitter. Criteria: ACMG Guidelines, 2015. Collection method: clinical testing. Allele origin: germline.

Joint Genome Diagnostic Labs from Nijmegen and Maastricht, Radboudumc and MUMC+
Classification: Pathogenic for Retinal dystrophy. Last evaluated: 2016-09-01. Review status: no assertion criteria provided. Collection method: clinical testing. Allele origin: inherited. Affected: yes. Observed: 1 variant allele. Not counted in ClinVar's aggregate classification.

Literature cited by the submitters: PubMed 23559409 (cited by Labcorp Genetics (formerly Invitae), Labcorp).